The following is an entry in ClinVar:

ClinVar aggregate classification (germline): Uncertain significance (1 of 4 stars; one submission).

Conditions:
Hereditary cancer-predisposing syndrome. Also called: Neoplastic Syndromes, Hereditary; Hereditary neoplastic syndrome; Tumor predisposition; Hereditary Cancer Syndrome. Identifiers: Orphanet 140162, MedGen C0027672, MeSH D009386, MONDO:0015356.

Submission:

Ambry Genetics
Classification: Uncertain significance for Hereditary cancer-predisposing syndrome. Last evaluated: 2026-01-16. Review status: criteria provided, single submitter. Criteria: Ambry Variant Classification Scheme 2023. Collection method: clinical testing. Allele origin: germline.
Comment: The p.M266I variant (also known as c.798G>A), located in coding exon 6 of the RAD50 gene, results from a G to A substitution at nucleotide position 798. The methionine at codon 266 is replaced by isoleucine, an amino acid with highly similar properties. This amino acid position is conserved. In addition, this alteration is predicted to be tolerated by in silico analysis. Based on the available evidence, the clinical significance of this variant remains unclear.

NM_005732.4(RAD50):c.798G>A (p.Met266Ile)

Gene: RAD50 (RAD50 double strand break repair protein; plus strand). Cytogenetic location: 5q31.1.
Variant type: single nucleotide variant.
Coding change: c.798G>A on transcript NM_005732.4 (MANE Select); coding-DNA position 798, G replaced by A.
Protein change: p.Met266Ile; replaces methionine 266 with isoleucine.
Molecular consequence: missense variant.
Genome position (GRCh38, 1-based): chr5:132,587,603, G>A. VCF-style: chr5-132587603-G-A. GRCh37 (hg19) VCF-style: chr5-131923295-G-A.
Other names: short protein forms M266I.
Identifiers: ClinVar variation 4824492 (VCV004824492.1).
Genomic context (GRCh38, chr5:132,587,603, plus strand): 5'-AATGTTTCTTTATTTTCAGAATCGTCTAAAAGAAATTGAACATAATCTCTCTAAAATAAT[G>A]AAACTTGACAATGAAATTAAAGCCTTGGATAGCCGAAAGAAGCAAATGGAGAAAGATAAT-3'
Protein context (NP_005723.2, residues 256-276): KEIEHNLSKI[Met266Ile]KLDNEIKALD